The following is an entry in ClinVar:

ClinVar aggregate classification (germline): Uncertain significance. Review status: criteria provided, multiple submitters, no conflicts (2 of 4 stars). 2 submissions from 2 submitters: Uncertain significance (2). Last evaluated 2025-07-10.

Conditions:
Catecholaminergic polymorphic ventricular tachycardia 1. Also called: VENTRICULAR TACHYCARDIA, STRESS-INDUCED POLYMORPHIC 1; VENTRICULAR TACHYCARDIA, CATECHOLAMINERGIC POLYMORPHIC, 1, WITH OR WITHOUT ATRIAL DYSFUNCTION AND/OR DILATED CARDIOMYOPATHY; RYR2-Related Catecholaminergic Polymorphic Ventricular Tachycardia. Identifiers: Orphanet 3286, MedGen C1631597, MONDO:0011484, OMIM 604772.

gnomAD v4.1: 1 of 1,611,540 alleles (0.000062%); highest among the groups gnomAD compares: Non-Finnish European, 0.000085%; no homozygotes.

Submissions (2):

GeneDx
Classification: Uncertain significance. Last evaluated: 2025-07-10. Review status: criteria provided, single submitter. Criteria: GeneDx Variant Classification Process June 2021. Collection method: clinical testing. Allele origin: germline. Affected: yes.
Comment: Not observed at significant frequency in large population cohorts (gnomAD); In silico analysis supports that this missense variant has a deleterious effect on protein structure/function; Has not been previously published as pathogenic or benign to our knowledge; Not located in one of the three hot-spot regions of the RYR2 gene, where the majority of pathogenic missense variants occur (PMID: 19926015); This variant is associated with the following publications: (PMID: 19926015)

Labcorp Genetics (formerly Invitae), Labcorp
Classification: Uncertain significance for Catecholaminergic polymorphic ventricular tachycardia 1. Last evaluated: 2024-06-11. Review status: criteria provided, single submitter. Criteria: Invitae Variant Classification Sherloc (09022015). Collection method: clinical testing. Allele origin: germline.
Comment: This sequence change replaces tyrosine, which is neutral and polar, with histidine, which is basic and polar, at codon 2680 of the RYR2 protein (p.Tyr2680His). This variant is present in population databases (rs181732213, gnomAD 0.0009%). This variant has not been reported in the literature in individuals affected with RYR2-related conditions. Advanced modeling of protein sequence and biophysical properties (such as structural, functional, and spatial information, amino acid conservation, physicochemical variation, residue mobility, and thermodynamic stability) has been performed at Invitae for this missense variant, however the output from this modeling did not meet the statistical confidence thresholds required to predict the impact of this variant on RYR2 protein function. In summary, the available evidence is currently insufficient to determine the role of this variant in disease. Therefore, it has been classified as a Variant of Uncertain Significance.

NM_001035.3(RYR2):c.8038T>C (p.Tyr2680His)

Gene: RYR2 (ryanodine receptor 2; plus strand). Cytogenetic location: 1q43.
Variant type: single nucleotide variant.
Coding change: c.8038T>C on transcript NM_001035.3 (MANE Select); coding-DNA position 8038, T replaced by C.
Protein change: p.Tyr2680His; replaces tyrosine 2680 with histidine.
Molecular consequence: missense variant.
Genome position (GRCh38, 1-based): chr1:237,655,893, T>C. VCF-style: chr1-237655893-T-C. GRCh37 (hg19) VCF-style: chr1-237819193-T-C.
Other names: c.8038T>C (NM_001035.2); short protein forms Y2680H.
Identifiers: ClinVar variation 3700782 (VCV003700782.3).